The following is an entry in ClinVar:

ClinVar aggregate classification (germline): Benign/Likely benign. Review status: criteria provided, multiple submitters, no conflicts (2 of 4 stars). 6 submissions from 6 submitters: Benign (1); Likely benign (5). Last evaluated 2026-06-25.

Conditions:
Hereditary cancer-predisposing syndrome. Also called: Tumor predisposition; Hereditary neoplastic syndrome; Hereditary Cancer Syndrome; Neoplastic Syndromes, Hereditary. Identifiers: Orphanet 140162, MedGen C0027672, MeSH D009386, MONDO:0015356.
Retinoblastoma (RB1). Also called: RETINOBLASTOMA, SOMATIC. Identifiers: Orphanet 790, MedGen C0035335, MeSH D012175, MONDO:0008380, OMIM 180200, HP:0009919. Disease mechanism: loss of function. Inheritance: Both sporadic and heritable forms are tested..

Allele frequency attached by ClinVar (database versions not stated): gnomAD 0.00001; gnomAD exomes 0.00001; ExAC 0.00002; TOPMed 0.00002.
gnomAD v4.1: 9 of 1,613,542 alleles (0.00056%); highest among the groups gnomAD compares: Admixed American, 0.013%; no homozygotes.

Submissions (6):

Myriad Genetics, Inc.
Classification: Benign for Retinoblastoma. Last evaluated: 2026-06-25. Review status: criteria provided, single submitter. Criteria: Myriad Autosomal Dominant, Autosomal Recessive and X-Linked Classification Criteria (2023). Collection method: clinical testing. Allele origin: unknown.
Comment: This variant is considered benign. This variant is a silent/synonymous amino acid change and it is not expected to impact splicing.

CeGaT Center for Human Genetics Tuebingen
Classification: Likely benign. Last evaluated: 2026-05-01. Review status: criteria provided, single submitter. Criteria: CeGaT Center For Human Genetics Tuebingen Variant Classification Criteria Version 2. Collection method: clinical testing. Allele origin: germline. Affected: yes. Observed: 2 variant alleles.
Comment: RB1: BP4, BP7

Labcorp Genetics (formerly Invitae), Labcorp
Classification: Likely benign for Retinoblastoma. Last evaluated: 2025-12-14. Review status: criteria provided, single submitter. Criteria: Invitae Variant Classification Sherloc (09022015). Collection method: clinical testing. Allele origin: germline.

All of Us Research Program, National Institutes of Health
Classification: Likely benign for Retinoblastoma. Last evaluated: 2023-05-23. Review status: criteria provided, single submitter. Criteria: ACMG Guidelines, 2015. Collection method: clinical testing. Allele origin: germline. Inheritance: Autosomal dominant inheritance. Observed: 1 variant allele, 1 heterozygote.
Comment: This study involves interpretation of variants in research participants for the purpose of population health screening. Participant phenotype was not available at the time of variant classification. Additional details can be found in publication PMID: 35346344, PMCID: PMC8962531

Color Diagnostics, LLC DBA Color Health
Classification: Likely benign for Retinoblastoma. Last evaluated: 2022-05-12. Review status: criteria provided, single submitter. Criteria: ACMG Guidelines, 2015. Collection method: clinical testing. Allele origin: germline.

Ambry Genetics
Classification: Likely benign for Hereditary cancer-predisposing syndrome. Last evaluated: 2019-02-13. Review status: criteria provided, single submitter. Criteria: Ambry Variant Classification Scheme 2023. Collection method: clinical testing. Allele origin: germline.

NM_000321.3(RB1):c.2634T>C (p.Asp878=)

Gene: RB1 (RB transcriptional corepressor 1; plus strand). Cytogenetic location: 13q14.2.
Variant type: single nucleotide variant.
Coding change: c.2634T>C on transcript NM_000321.3 (MANE Select); coding-DNA position 2634, T replaced by C.
Protein change: p.Asp878=; no amino-acid change (aspartic acid 878 retained).
Molecular consequence: synonymous variant.
Genome position (GRCh38, 1-based): chr13:48,476,814, T>C. VCF-style: chr13-48476814-T-C. GRCh37 (hg19) VCF-style: chr13-49050950-T-C.
Identifiers: ClinVar variation 416501 (VCV000416501.24), dbSNP rs750293921, ClinGen allele CA036418.